The following is an entry in ClinVar:

ClinVar aggregate classification (germline): Likely pathogenic. Review status: criteria provided, multiple submitters, no conflicts (2 of 4 stars). 2 submissions from 2 submitters: Likely pathogenic (2). Last evaluated 2025-08-09.

Conditions:
Hereditary insensitivity to pain with anhidrosis (CIPA). Also called: FAMILIAL DYSAUTONOMIA, TYPE II; HSAN Type IV; NTRK1 Congenital Insensitivity to Pain with Anhidrosis; INSENSITIVITY TO PAIN, CONGENITAL, WITH ANHIDROSIS; hereditary sensory and autonomic neuropathy type 4; NEUROPATHY, CONGENITAL SENSORY, WITH ANHIDROSIS. Identifiers: Orphanet 642, MedGen C0020074, MONDO:0009746, OMIM 256800.

Allele frequency attached by ClinVar (database versions not stated): ExAC 0.00002.
gnomAD v4.1: 9 of 1,613,352 alleles (0.00056%); highest among the groups gnomAD compares: African/African-American, 0.0013%; no homozygotes.

Submissions (2):

Natera, Inc.
Classification: Likely pathogenic for Hereditary insensitivity to pain with anhidrosis. Last evaluated: 2025-08-09. Review status: criteria provided, single submitter. Criteria: Natera Variant Classification Schema (03/2026). Collection method: clinical testing. Allele origin: germline.
Comment: The c.2057G>A variant in NTRK1 is a missense variant predicted to cause substitution of arginine to histidine at amino acid 686. This variant is rare in the general population with a frequency below the threshold expected for the associated phenotype(s). This variant has been observed in one or more individuals affected with the associated recessive disease, as either homozygous or compound heterozygous with a second variant (PMID: 38833577). A different variant at the same position has been determined to be Pathogenic or Likely Pathogenic. Computational prediction algorithms indicate this variant is likely to affect gene or protein function. Given the available evidence, this variant is classified as Likely Pathogenic.

Labcorp Genetics (formerly Invitae), Labcorp
Classification: Likely pathogenic for Hereditary insensitivity to pain with anhidrosis. Last evaluated: 2022-08-31. Review status: criteria provided, single submitter. Criteria: Invitae Variant Classification Sherloc (09022015). Collection method: clinical testing. Allele origin: germline.
Comment: In summary, the currently available evidence indicates that the variant is pathogenic, but additional data are needed to prove that conclusively. Therefore, this variant has been classified as Likely Pathogenic. This variant disrupts the p.Arg686 amino acid residue in NTRK1. Other variant(s) that disrupt this residue have been determined to be pathogenic (PMID: 27265460, 29770739). This suggests that this residue is clinically significant, and that variants that disrupt this residue are likely to be disease-causing. Advanced modeling of protein sequence and biophysical properties (such as structural, functional, and spatial information, amino acid conservation, physicochemical variation, residue mobility, and thermodynamic stability) performed at Invitae indicates that this missense variant is expected to disrupt NTRK1 protein function. This missense change has been observed in individual(s) with congenital insensitivity to pain with anhidrosis (CIPA) (PMID: 23799134). This variant is present in population databases (rs765477124, gnomAD 0.003%). This sequence change replaces arginine, which is basic and polar, with histidine, which is basic and polar, at codon 686 of the NTRK1 protein (p.Arg686His).

Literature cited by the submitters: PubMed 38833577 (cited by Natera, Inc.); PubMed 27265460 (cited by Labcorp Genetics (formerly Invitae), Labcorp); PubMed 29770739 (cited by Labcorp Genetics (formerly Invitae), Labcorp); PubMed 23799134 (cited by Labcorp Genetics (formerly Invitae), Labcorp).

NM_002529.4(NTRK1):c.2075G>A (p.Arg692His)

Gene: NTRK1 (neurotrophic receptor tyrosine kinase 1; plus strand). Cytogenetic location: 1q23.1.
Variant type: single nucleotide variant.
Coding change: c.2075G>A on transcript NM_002529.4 (MANE Select); coding-DNA position 2075, G replaced by A.
Protein change: p.Arg692His; replaces arginine 692 with histidine.
Molecular consequence: missense variant.
Genome position (GRCh38, 1-based): chr1:156,880,027, G>A. VCF-style: chr1-156880027-G-A. GRCh37 (hg19) VCF-style: chr1-156849819-G-A.
Other names: c.2075G>A, p.Arg692His (NM_001007204.1); c.1967G>A, p.Arg656His (NM_001007792.1); c.2057G>A, p.Arg686His (NM_001012331.2); short protein forms R692H, R686H, R656H.
Identifiers: ClinVar variation 2159233 (VCV002159233.5), dbSNP rs765477124, ClinGen allele CA1169562.